The following is an entry in ClinVar:

NM_001034853.2(RPGR):c.871A>T (p.Asn291Tyr)

Gene: RPGR (retinitis pigmentosa GTPase regulator; minus strand). Cytogenetic location: Xp11.4.
Variant type: single nucleotide variant.
Coding change: c.871A>T on transcript NM_001034853.2 (MANE Select); coding-DNA position 871, A replaced by T.
Protein change: p.Asn291Tyr; replaces asparagine 291 with tyrosine.
Molecular consequence: missense variant. On other transcripts: non-coding transcript variant (5).
Genome position (GRCh38, 1-based): chrX:38,304,698, T>A on the plus strand (A>T on the coding strand, the complement: RPGR is on the minus strand). VCF-style: chrX-38304698-T-A. GRCh37 (hg19) VCF-style: chrX-38163951-T-A.
Other names: c.871A>T, p.Asn291Tyr (NM_000328.3, NM_001367246.1, NM_001367247.1 and 1 more transcripts); c.868A>T, p.Asn290Tyr (NM_001367245.1, NM_001367249.1, NM_001367250.1); c.901A>T, p.Asn301Tyr (NM_001367248.1); short protein forms N301Y, N291Y, N290Y.
Identifiers: ClinVar variation 3718814 (VCV003718814.2).

ClinVar aggregate classification (germline): Uncertain significance (1 of 4 stars; one submission).

Conditions:
Primary ciliary dyskinesia. Also called: Ciliary dyskinesia. Identifiers: Orphanet 244, MedGen C0008780, MONDO:0016575, HP:0012265.

Submission:

Labcorp Genetics (formerly Invitae), Labcorp
Classification: Uncertain significance for Primary ciliary dyskinesia. Last evaluated: 2024-02-15. Review status: criteria provided, single submitter. Criteria: Invitae Variant Classification Sherloc (09022015). Collection method: clinical testing. Allele origin: germline.
Comment: This sequence change replaces asparagine, which is neutral and polar, with tyrosine, which is neutral and polar, at codon 291 of the RPGR protein (p.Asn291Tyr). This variant is not present in population databases (gnomAD no frequency). This variant has not been reported in the literature in individuals affected with RPGR-related conditions. Advanced modeling of protein sequence and biophysical properties (such as structural, functional, and spatial information, amino acid conservation, physicochemical variation, residue mobility, and thermodynamic stability) performed at Invitae indicates that this missense variant is not expected to disrupt RPGR protein function with a negative predictive value of 95%. In summary, the available evidence is currently insufficient to determine the role of this variant in disease. Therefore, it has been classified as a Variant of Uncertain Significance.